The following is an entry in ClinVar:

NM_015896.4(ZMYND10):c.1238A>G (p.Tyr413Cys)

Gene: ZMYND10 (zinc finger MYND-type containing 10; minus strand). Cytogenetic location: 3p21.31.
Variant type: single nucleotide variant.
Coding change: c.1238A>G on transcript NM_015896.4 (MANE Select); coding-DNA position 1238, A replaced by G.
Protein change: p.Tyr413Cys; replaces tyrosine 413 with cysteine.
Molecular consequence: missense variant.
Genome position (GRCh38, 1-based): chr3:50,341,583, T>C on the plus strand (A>G on the coding strand, the complement: ZMYND10 is on the minus strand). VCF-style: chr3-50341583-T-C. GRCh37 (hg19) VCF-style: chr3-50379014-T-C.
Other names: c.1223A>G, p.Tyr408Cys (NM_001308379.2); short protein forms Y408C, Y413C.
Identifiers: ClinVar variation 959521 (VCV000959521.7), dbSNP rs763739603, ClinGen allele CA2416945.
Genomic context (GRCh38, chr3:50,341,583, plus strand): 5'-GGGGGATGTGGGAGTAGGGCTTAGAGGTCCAAGGTTCTAGGATACCCTCACCTGCAGCAA[T>C]ACCACTCATTCTGGCATCGTGAGCAGCGCTTAGAAGCCTCTGCACTGCAGTAAGCACAGC-3'
Protein context (NP_056980.2, residues 403-423): KRCSRCQNEW[Tyr413Cys]CCRECQVKHW

ClinVar aggregate classification (germline): Uncertain significance (1 of 4 stars; one submission).

Conditions:
Primary ciliary dyskinesia. Also called: Ciliary dyskinesia. Identifiers: Orphanet 244, MedGen C0008780, MONDO:0016575, HP:0012265.

Allele frequency attached by ClinVar (database versions not stated): gnomAD below 0.00001 and 0.00001; gnomAD exomes below 0.00001 and 0.00001; ExAC 0.00001; TOPMed 0.00001.

Submission:

Labcorp Genetics (formerly Invitae), Labcorp
Classification: Uncertain significance for Primary ciliary dyskinesia. Last evaluated: 2019-09-27. Review status: criteria provided, single submitter. Criteria: Invitae Variant Classification Sherloc (09022015). Collection method: clinical testing. Allele origin: germline.
Comment: In summary, the available evidence is currently insufficient to determine the role of this variant in disease. Therefore, it has been classified as a Variant of Uncertain Significance. Algorithms developed to predict the effect of missense changes on protein structure and function (SIFT, PolyPhen-2, Align-GVGD) all suggest that this variant is likely to be disruptive, but these predictions have not been confirmed by published functional studies and their clinical significance is uncertain. This variant has not been reported in the literature in individuals with ZMYND10-related conditions. This variant is present in population databases (rs763739603, ExAC 0.001%). This sequence change replaces tyrosine with cysteine at codon 413 of the ZMYND10 protein (p.Tyr413Cys). The tyrosine residue is highly conserved and there is a large physicochemical difference between tyrosine and cysteine.